The following is an entry in ClinVar:

NM_001378778.1(MPDZ):c.3508C>T (p.Arg1170Ter)

Gene: MPDZ (multiple PDZ domain crumbs cell polarity complex component; minus strand). Cytogenetic location: 9p23.
Variant type: single nucleotide variant.
Coding change: c.3508C>T on transcript NM_001378778.1 (MANE Select); coding-DNA position 3508, C replaced by T.
Protein change: p.Arg1170Ter; replaces arginine 1170 with a stop codon.
Molecular consequence: nonsense.
Genome position (GRCh38, 1-based): chr9:13,150,633, G>A on the plus strand (C>T on the coding strand, the complement: MPDZ is on the minus strand). VCF-style: chr9-13150633-G-A. GRCh37 (hg19) VCF-style: chr9-13150632-G-A.
Other names: c.3508C>T, p.Arg1170Ter (NM_001261406.2, NM_001261407.2, NM_001330637.2 and 13 more transcripts); c.3310C>T, p.Arg1104Ter (NM_001375427.1); short protein forms R1104*, R1170*.
Identifiers: ClinVar variation 2415569 (VCV002415569.20), dbSNP rs200131423, ClinGen allele CA189310330.
Genomic context (GRCh38, chr9:13,150,633, plus strand): 5'-CATGTTTGATGAAAATGCCCCTCATCACTTCTCCATTGCTTAGCCGACTCCCCATCCCTC[G>A]TCCACCAACAATGCTGATGCCTAAGGATTTGCTTGGTTCTCTCCAGAGTTCCACCCTAAA-3'

ClinVar aggregate classification (germline): Pathogenic. Review status: criteria provided, multiple submitters, no conflicts (2 of 4 stars). 3 submissions from 3 submitters: Pathogenic (3). Last evaluated 2025-07-30.

Conditions:
Hydrocephalus, nonsyndromic, autosomal recessive 2. Also called: Hydrocephalus, congenital, 2, with or without brain or eye anomalies. Identifiers: Orphanet 2185, MedGen C3554691, MONDO:0014085, OMIM 615219.

Allele frequency attached by ClinVar (database versions not stated): gnomAD exomes 0.00002; TOPMed 0.00003; gnomAD 0.00005; ESP Exome Variant Server 0.00008.
gnomAD v4.1: 39 of 1,519,202 alleles (0.0026%); highest among the groups gnomAD compares: African/African-American, 0.0056%; no homozygotes.

Submissions (3):

3billion
Classification: Pathogenic for Hydrocephalus, nonsyndromic, autosomal recessive 2. Last evaluated: 2025-07-30. Review status: criteria provided, single submitter. Criteria: ACMG Guidelines, 2015. Collection method: clinical testing. Allele origin: germline. Affected: yes.
Comment: The variant is observed at an extremely low frequency in the gnomAD v4.1.0 dataset (total allele frequency: 0.003%). Predicted Consequence/Location: Stop-gained (nonsense): predicted to result in a loss or disruption of normal protein function through nonsense-mediated decay (NMD) or protein truncation. Multiple pathogenic variants are reported downstream of the variant. The variant has been reported at least twice as pathogenic with clinical assertions and evidence for the classification (ClinVar ID: VCV002415569 /PMID: 38857973). Therefore, this variant is classified as Pathogenic according to the recommendation of ACMG/AMP guideline.

Labcorp Genetics (formerly Invitae), Labcorp
Classification: Pathogenic. Last evaluated: 2025-06-27. Review status: criteria provided, single submitter. Criteria: Invitae Variant Classification Sherloc (09022015). Collection method: clinical testing. Allele origin: germline.
Comment: This sequence change creates a premature translational stop signal (p.Arg1170*) in the MPDZ gene. It is expected to result in an absent or disrupted protein product. Loss-of-function variants in MPDZ are known to be pathogenic (PMID: 23240096, 28556411). The frequency data for this variant in the population databases is considered unreliable, as metrics indicate poor data quality at this position in the gnomAD database. This variant has not been reported in the literature in individuals affected with MPDZ-related conditions. ClinVar contains an entry for this variant (Variation ID: 2415569). For these reasons, this variant has been classified as Pathogenic.

CeGaT Center for Human Genetics Tuebingen
Classification: Pathogenic. Last evaluated: 2024-10-01. Review status: criteria provided, single submitter. Criteria: CeGaT Center For Human Genetics Tuebingen Variant Classification Criteria Version 2. Collection method: clinical testing. Allele origin: germline. Affected: yes. Observed: 1 variant allele.
Comment: MPDZ: PVS1, PM2

Literature cited by the submitters: PubMed 38857973 (cited by 3billion); PubMed 23240096 (cited by Labcorp Genetics (formerly Invitae), Labcorp); PubMed 28556411 (cited by Labcorp Genetics (formerly Invitae), Labcorp).